The following is an entry in ClinVar:

ClinVar aggregate classification (germline): Uncertain significance (1 of 4 stars; one submission).

Conditions:
PLXNA1-related disorder. Also called: PLXNA1-related condition.

Submission:

PreventionGenetics, part of Exact Sciences
Classification: Uncertain significance for PLXNA1-related condition. Last evaluated: 2025-03-27. Review status: criteria provided, single submitter. Criteria: ACMG Guidelines, 2015. Collection method: clinical testing. Allele origin: germline.
Comment: The PLXNA1 c.1706A>G variant is predicted to result in the amino acid substitution p.Gln569Arg. To our knowledge, this variant has not been reported in the literature or in a large population database (gnomAD), indicating this variant is rare. At this time, the clinical significance of this variant is uncertain due to the absence of conclusive functional and genetic evidence.

NM_032242.4(PLXNA1):c.1706A>G (p.Gln569Arg)

Gene: PLXNA1 (plexin A1; plus strand). Cytogenetic location: 3q21.3.
Variant type: single nucleotide variant.
Coding change: c.1706A>G on transcript NM_032242.4 (MANE Select); coding-DNA position 1706, A replaced by G.
Protein change: p.Gln569Arg; replaces glutamine 569 with arginine.
Molecular consequence: missense variant.
Genome position (GRCh38, 1-based): chr3:127,004,971, A>G. VCF-style: chr3-127004971-A-G. GRCh37 (hg19) VCF-style: chr3-126723814-A-G.
Other names: short protein forms Q569R.
Identifiers: ClinVar variation 5001454 (VCV005001454.1).
Genomic context (GRCh38, chr3:127,004,971, plus strand): 5'-GAGCAGACGAGCCCCAGCGCTTTGCTGCGGACCTGCTGCAGTGTGTGCAGCTGACTGTGC[A>G]GCCCCGCAATGTGTCTGTCACCATGTCCCAGGTCCCAGTAAGTGTGGCACCCCAGGTGGT-3'
Protein context (NP_115618.3, residues 559-579): DLLQCVQLTV[Gln569Arg]PRNVSVTMSQ